The following is an entry in ClinVar:

ClinVar aggregate classification (germline): Benign. Review status: criteria provided, multiple submitters, no conflicts (2 of 4 stars). 8 submissions from 8 submitters: Benign (6). 2 of the submissions do not count toward it. Last evaluated 2026-02-03.

Conditions:
Brain small vessel disease 2A, autosomal dominant. Also called: Porencephaly 2. Identifiers: Orphanet 2940, Orphanet 99810, MedGen C3280970, MONDO:0013773, OMIM 614483.

Allele frequency attached by ClinVar (database versions not stated): 1000 Genomes Project 30x 0.47689; TOPMed 0.48179; 1000 Genomes Project 0.48283; gnomAD 0.48817 and 0.49092; ESP Exome Variant Server 0.48987; gnomAD exomes 0.51118 and 0.53344; ExAC 0.51372.
gnomAD v4.1: 853,083 of 1,613,490 alleles (53%); highest among the groups gnomAD compares: East Asian, 56%; 227,167 homozygotes.

Submissions (8):

Labcorp Genetics (formerly Invitae), Labcorp
Classification: Benign. Last evaluated: 2026-02-03. Review status: criteria provided, single submitter. Criteria: Invitae Variant Classification Sherloc (09022015). Collection method: clinical testing. Allele origin: germline.

Blueprint Genetics
Classification: Benign. Last evaluated: 2024-11-27. Review status: criteria provided, single submitter. Criteria: ACMG Guidelines, 2015. Collection method: clinical testing. Allele origin: germline.

Mayo Clinic Laboratories, Mayo Clinic
Classification: Benign. Last evaluated: 2022-04-26. Review status: criteria provided, single submitter. Criteria: ACMG Guidelines, 2015. Collection method: clinical testing. Allele origin: germline. Observed: 223 variant alleles.

GeneDx
Classification: Benign. Last evaluated: 2018-04-02. Review status: criteria provided, single submitter. Criteria: GeneDx Variant Classification (06012015). Collection method: clinical testing. Allele origin: germline. Affected: yes.
Comment: This variant is considered likely benign or benign based on one or more of the following criteria: it is a conservative change, it occurs at a poorly conserved position in the protein, it is predicted to be benign by multiple in silico algorithms, and/or has population frequency not consistent with disease.

Illumina Laboratory Services, Illumina
Classification: Benign for Brain small vessel disease 2A, autosomal dominant. Last evaluated: 2018-01-13. Review status: criteria provided, single submitter. Criteria: ICSL Variant Classification Criteria 13 December 2019. Collection method: clinical testing. Allele origin: germline.
Comment: This variant was observed in the ICSL laboratory as part of a predisposition screen in an ostensibly healthy population. It had not been previously curated by ICSL or reported in the Human Gene Mutation Database (HGMD: prior to June 1st, 2018), and was therefore a candidate for classification through an automated scoring system. Utilizing variant allele frequency, disease prevalence and penetrance estimates, and inheritance mode, an automated score was calculated to assess if this variant is too frequent to cause the disease. Based on the score and internal cut-off values, a variant classified as benign is not then subjected to further curation. The score for this variant resulted in a classification of benign for this disease.

Breakthrough Genomics
Classification: Benign. Review status: criteria provided, single submitter. Criteria: ACMG Guidelines, 2015. Collection method: not provided. Allele origin: germline. Inheritance: Autosomal dominant inheritance. Affected: yes.

Clinical Genetics DNA and cytogenetics Diagnostics Lab, Erasmus MC, Erasmus Medical Center
Classification: Benign. Review status: no assertion criteria provided. Collection method: clinical testing. Allele origin: germline. Affected: yes. Study: VKGL Data-share Consensus. Not counted in ClinVar's aggregate classification.

Diagnostic Laboratory, Department of Genetics, University Medical Center Groningen
Classification: Benign. Review status: no assertion criteria provided. Collection method: clinical testing. Allele origin: germline. Affected: yes. Study: VKGL Data-share Consensus. Not counted in ClinVar's aggregate classification.

NM_001846.4(COL4A2):c.1008C>T (p.Pro336=)

Gene: COL4A2 (collagen type IV alpha 2 chain; plus strand). Cytogenetic location: 13q34.
Variant type: single nucleotide variant.
Coding change: c.1008C>T on transcript NM_001846.4 (MANE Select); coding-DNA position 1008, C replaced by T.
Protein change: p.Pro336=; no amino-acid change (proline 336 retained).
Molecular consequence: synonymous variant.
Genome position (GRCh38, 1-based): chr13:110,445,879, C>T. VCF-style: chr13-110445879-C-T. GRCh37 (hg19) VCF-style: chr13-111098226-C-T.
Other names: p.Pro336=.
Identifiers: ClinVar variation 311117 (VCV000311117.21), dbSNP rs4103, ClinGen allele CA7049264.